The following is an entry in ClinVar:

NM_177924.5(ASAH1):c.126-13C>G

Gene: ASAH1 (N-acylsphingosine amidohydrolase 1; minus strand). Cytogenetic location: 8p22.
Variant type: single nucleotide variant.
Coding change: c.126-13C>G on transcript NM_177924.5 (MANE Select); 13 bases into the intron before coding-DNA position 126, C replaced by G.
Molecular consequence: intron variant.
Genome position (GRCh38, 1-based): chr8:18,071,403, G>C on the plus strand (C>G on the coding strand, the complement: ASAH1 is on the minus strand). VCF-style: chr8-18071403-G-C. GRCh37 (hg19) VCF-style: chr8-17928912-G-C.
Other names: c.174-13C>G (NM_004315.6); c.195-13C>G (NM_001127505.3); c.-70-13C>G (NM_001363743.2).
Identifiers: ClinVar variation 1968218 (VCV001968218.5), dbSNP rs1182612504, ClinGen allele CA849403643.

ClinVar aggregate classification (germline): Uncertain significance (1 of 4 stars; one submission).

Submission:

Labcorp Genetics (formerly Invitae), Labcorp
Classification: Uncertain significance. Last evaluated: 2024-12-09. Review status: criteria provided, single submitter. Criteria: Invitae Variant Classification Sherloc (09022015). Collection method: clinical testing. Allele origin: germline.
Comment: This sequence change falls in intron 2 of the ASAH1 gene. It does not directly change the encoded amino acid sequence of the ASAH1 protein. This variant is not present in population databases (gnomAD no frequency). This variant has not been reported in the literature in individuals affected with ASAH1-related conditions. ClinVar contains an entry for this variant (Variation ID: 1968218). Algorithms developed to predict the effect of sequence changes on RNA splicing suggest that this variant may disrupt the consensus splice site. In summary, the available evidence is currently insufficient to determine the role of this variant in disease. Therefore, it has been classified as a Variant of Uncertain Significance.